The following is an entry in ClinVar:

ClinVar aggregate classification (germline): Uncertain significance. Review status: criteria provided, multiple submitters, no conflicts (2 of 4 stars). 2 submissions from 2 submitters: Uncertain significance (2). Last evaluated 2026-02-17.

Conditions:
Inborn genetic diseases. Identifiers: MedGen C0950123, MeSH D030342.

Submissions (2):

Ambry Genetics
Classification: Uncertain significance for Inborn genetic diseases. Last evaluated: 2026-02-17. Review status: criteria provided, single submitter. Criteria: Ambry Variant Classification Scheme 2023. Collection method: clinical testing. Allele origin: germline.
Comment: The p.P1156A variant (also known as c.3466C>G), located in coding exon 32 of the RTEL1 gene, results from a C to G substitution at nucleotide position 3466. The proline at codon 1156 is replaced by alanine, an amino acid with highly similar properties. This amino acid position is conserved. In addition, this alteration is predicted to be tolerated by in silico analysis. Based on the available evidence, the clinical significance of this variant remains unclear.

GeneDx
Classification: Uncertain significance. Last evaluated: 2024-11-08. Review status: criteria provided, single submitter. Criteria: GeneDx Variant Classification Process June 2021. Collection method: clinical testing. Allele origin: germline. Affected: yes.
Comment: Not observed at significant frequency in large population cohorts (gnomAD); In silico analysis supports that this missense variant has a deleterious effect on protein structure/function; Has not been previously published as pathogenic or benign to our knowledge

NM_001283009.2(RTEL1):c.3466C>G (p.Pro1156Ala)

Genes: RTEL1 (regulator of telomere elongation helicase 1; plus strand), RTEL1-TNFRSF6B (RTEL1-TNFRSF6B readthrough (NMD candidate); plus strand). Cytogenetic location: 20q13.33.
Variant type: single nucleotide variant.
Coding change: c.3466C>G on transcript NM_001283009.2 (MANE Select); coding-DNA position 3466, C replaced by G.
Protein change: p.Pro1156Ala; replaces proline 1156 with alanine.
Molecular consequence: missense variant. On other transcripts: non-coding transcript variant (1).
Genome position (GRCh38, 1-based): chr20:63,695,188, C>G. VCF-style: chr20-63695188-C-G. GRCh37 (hg19) VCF-style: chr20-62326541-C-G.
Other names: c.2797C>G, p.Pro933Ala (NM_001283010.1); c.3466C>G, p.Pro1156Ala (NM_016434.4); c.3538C>G, p.Pro1180Ala (NM_032957.5); short protein forms P1156A, P1180A, P933A.
Identifiers: ClinVar variation 3899080 (VCV003899080.2).
Genomic context (GRCh38, chr20:63,695,188, plus strand): 5'-ACCGGCCGGCCCTACCCGGGCATGGAGCCACCGGGACCCCAGGAGGAGAGGCTTGCCGTG[C>G]CTCCTGTGCTTACCCACAGGGCTCCCCAACCAGGTAGGGCACCTGCCTGGCTGCTCCTGG-3'
Protein context (NP_001269938.1, residues 1146-1166): PGPQEERLAV[Pro1156Ala]PVLTHRAPQP